The following is an entry in ClinVar:

NM_001130438.3(SPTAN1):c.4930C>G (p.Gln1644Glu)

Gene: SPTAN1 (spectrin alpha, non-erythrocytic 1; plus strand). Cytogenetic location: 9q34.11.
Variant type: single nucleotide variant.
Coding change: c.4930C>G on transcript NM_001130438.3 (MANE Select); coding-DNA position 4930, C replaced by G.
Protein change: p.Gln1644Glu; replaces glutamine 1644 with glutamic acid.
Molecular consequence: missense variant.
Genome position (GRCh38, 1-based): chr9:128,612,133, C>G. VCF-style: chr9-128612133-C-G. GRCh37 (hg19) VCF-style: chr9-131374412-C-G.
Other names: c.4855C>G, p.Gln1619Glu (NM_001195532.2); c.4930C>G, p.Gln1644Glu (NM_001363759.2); c.4870C>G, p.Gln1624Glu (NM_001363765.2); c.4915C>G, p.Gln1639Glu (NM_003127.4); short protein forms Q1644E, Q1624E, Q1619E, Q1639E.
Identifiers: ClinVar variation 450719 (VCV000450719.2), dbSNP rs1312145167, ClinGen allele CA375070910.

ClinVar aggregate classification (germline): Uncertain significance (1 of 4 stars; one submission).

Allele frequency attached by ClinVar (database versions not stated): gnomAD exomes below 0.00001; TOPMed below 0.00001; gnomAD 0.00001.
gnomAD v4.1: 2 of 1,614,014 alleles (0.00012%); highest among the groups gnomAD compares: Non-Finnish European, 0.00017%; no homozygotes.

Submission:

GeneDx
Classification: Uncertain significance. Last evaluated: 2017-07-21. Review status: criteria provided, single submitter. Criteria: GeneDx Variant Classification (06012015). Collection method: clinical testing. Allele origin: germline. Affected: yes.
Comment: A variant of uncertain significance has been identified in the SPTAN1 gene. The Q1644E variant has not been published as a pathogenic variant, nor has it been reported as a benign variant to our knowledge. The Q1644E variant is not observed in large population cohorts (Lek et al., 2016; 1000 Genomes Consortium et al., 2015; Exome Variant Server). The Q1644E variant is a semi-conservative amino acid substitution, which may impact secondary protein structure as these residues differ in some properties. This substitution occurs at a position that is conserved across specie. However, previously reported pathogenic variants in SPTAN1 include in-frame deletions or duplications located within the last four spectrin repeats of the protein, which are essential for dimerization (Saitsu et al., 2010), and the Q1644E residue is outside this region. In silico analysis is inconsistent in its predictions as to whether or not the variant is damaging to the protein structure/function. Therefore, based on the currently available information, it is unclear whether this variant is a pathogenic variant or a rare benign variant.